The following is an entry in ClinVar:

ClinVar aggregate classification (germline): Conflicting classifications of pathogenicity. Review status: criteria provided, conflicting classifications (1 of 4 stars). 3 submissions from 3 submitters: Uncertain significance (1); Benign (1); Likely benign (1). Last evaluated 2025-02-11.

Conditions:
Hereditary pancreatitis (PCTT). Also called: PRSS1-Related Hereditary Pancreatitis; Hereditary chronic pancreatitis. Identifiers: Orphanet 676, MedGen C0238339, MONDO:0008185, OMIM 167800.

Allele frequency attached by ClinVar (database versions not stated): ESP Exome Variant Server 0.00015; gnomAD 0.00017; TOPMed 0.00017; 1000 Genomes Project 0.00020; ExAC 0.00024; gnomAD exomes 0.00025 and 0.00026; 1000 Genomes Project 30x 0.00031.
gnomAD v4.1: 400 of 1,609,546 alleles (0.025%); highest among the groups gnomAD compares: Non-Finnish European, 0.027%; no homozygotes.

Submissions (3):

ARUP Laboratories, Molecular Genetics and Genomics, ARUP Laboratories
Classification: Benign. Last evaluated: 2025-02-11. Review status: criteria provided, single submitter. Criteria: ARUP Molecular Germline Variant Investigation Process 2024. Collection method: clinical testing. Allele origin: germline.

Sema4
Classification: Uncertain significance for Hereditary pancreatitis. Last evaluated: 2021-04-16. Review status: criteria provided, single submitter. Criteria: Sema4 Curation Guidelines. Collection method: curation. Allele origin: germline.
Comment: The SPINK1 c.87+26T>C variant has been reported in at least one individual with pancreatitis (PMID: 17003641). A functional study demonstrated the normal splicing of the protein (PMID: 26719302). It was observed in 22/10334 chromosomes of the Ashkenazi Jewish subpopulation, with 0 homozygotes, in the large and broad cohorts of the Genome Aggregation Database. The variant has been reported in ClinVar (Variation ID 440296). The evidence is insufficient to meet ACMG/AMP criteria for classifying the variant as benign or pathogenic. Thus, the clinical significance of this variant is currently uncertain.

Ambry Genetics
Classification: Likely benign for Hereditary pancreatitis. Last evaluated: 2020-07-08. Review status: criteria provided, single submitter. Criteria: Ambry Variant Classification Scheme 2023. Collection method: clinical testing. Allele origin: germline.

Literature cited by the submitters: PubMed 17003641 (cited by Sema4); PubMed 26719302 (cited by Sema4 and Ambry Genetics).

NM_001379610.1(SPINK1):c.87+26T>C

Gene: SPINK1 (serine peptidase inhibitor Kazal type 1; minus strand). Cytogenetic location: 5q32.
Variant type: single nucleotide variant.
Coding change: c.87+26T>C on transcript NM_001379610.1 (MANE Select); 26 bases into the intron after coding-DNA position 87, T replaced by C.
Molecular consequence: intron variant.
Genome position (GRCh38, 1-based): chr5:147,829,573, A>G on the plus strand (T>C on the coding strand, the complement: SPINK1 is on the minus strand). VCF-style: chr5-147829573-A-G. GRCh37 (hg19) VCF-style: chr5-147209136-A-G.
Other names: c.87+26T>C (NM_003122.5, NM_001354966.2).
Identifiers: ClinVar variation 440296 (VCV000440296.11), dbSNP rs200296519, ClinGen allele CA3494804.